The following is an entry in ClinVar:

NM_000430.4(PAFAH1B1):c.470C>T (p.Ser157Leu)

Gene: PAFAH1B1 (platelet activating factor acetylhydrolase 1b regulatory subunit 1; plus strand). Cytogenetic location: 17p13.3.
Variant type: single nucleotide variant.
Coding change: c.470C>T on transcript NM_000430.4 (MANE Select); coding-DNA position 470, C replaced by T.
Protein change: p.Ser157Leu; replaces serine 157 with leucine.
Molecular consequence: missense variant.
Genome position (GRCh38, 1-based): chr17:2,670,233, C>T. VCF-style: chr17-2670233-C-T. GRCh37 (hg19) VCF-style: chr17-2573527-C-T.
Other names: short protein forms S157L.
Identifiers: ClinVar variation 1309517 (VCV001309517.5), dbSNP rs2069162720, ClinGen allele CA397640058.

ClinVar aggregate classification (germline): Uncertain significance. Review status: criteria provided, multiple submitters, no conflicts (2 of 4 stars). 2 submissions from 2 submitters: Uncertain significance (2). Last evaluated 2025-11-17.

Allele frequency attached by ClinVar (database versions not stated): gnomAD exomes below 0.00001; TOPMed below 0.00001.
gnomAD v4.1: 4 of 1,614,064 alleles (0.00025%); highest among the groups gnomAD compares: Non-Finnish European, 0.00034%; no homozygotes.

Submissions (2):

Labcorp Genetics (formerly Invitae), Labcorp
Classification: Uncertain significance. Last evaluated: 2025-11-17. Review status: criteria provided, single submitter. Criteria: Invitae Variant Classification Sherloc (09022015). Collection method: clinical testing. Allele origin: germline.
Comment: This sequence change replaces serine, which is neutral and polar, with leucine, which is neutral and non-polar, at codon 157 of the PAFAH1B1 protein (p.Ser157Leu). This variant is not present in population databases (gnomAD no frequency). This variant has not been reported in the literature in individuals affected with PAFAH1B1-related conditions. ClinVar contains an entry for this variant (Variation ID: 1309517). An algorithm developed to predict the effect of missense changes on protein structure and function (PolyPhen-2) suggests that this variant is likely to be tolerated. In summary, the available evidence is currently insufficient to determine the role of this variant in disease. Therefore, it has been classified as a Variant of Uncertain Significance.

GeneDx
Classification: Uncertain significance. Last evaluated: 2019-10-14. Review status: criteria provided, single submitter. Criteria: GeneDx Variant Classification Process June 2021. Collection method: clinical testing. Allele origin: germline. Affected: yes.
Comment: Not observed in large population cohorts (Lek et al., 2016); In silico analysis, which includes protein predictors and evolutionary conservation, supports a deleterious effect; Has not been previously published as pathogenic or benign to our knowledge